The following is an entry in ClinVar:

ClinVar aggregate classification (germline): Uncertain significance. Review status: criteria provided, multiple submitters, no conflicts (2 of 4 stars). 3 submissions from 3 submitters: Uncertain significance (2). 1 of the submissions does not count toward it. Last evaluated 2021-09-01.

Conditions:
Hecht syndrome (DA7). Also called: MOUTH, INABILITY TO OPEN COMPLETELY, AND SHORT FINGER-FLEXOR TENDONS; Dutch-Kentucky syndrome. Identifiers: Orphanet 3377, MedGen C0265226, MONDO:0008016, OMIM 158300. Disease mechanism: gain of function.

Allele frequency attached by ClinVar (database versions not stated): gnomAD 0.00011 and 0.00013; TOPMed 0.00011; gnomAD exomes 0.00016; ExAC 0.00020; ESP Exome Variant Server 0.00031.
gnomAD v4.1: 185 of 1,614,148 alleles (0.011%); highest among the groups gnomAD compares: South Asian, 0.067%; no homozygotes.

Submissions (3):

Ambry Genetics
Classification: Uncertain significance. Last evaluated: 2021-09-01. Review status: criteria provided, single submitter. Criteria: Ambry Variant Classification Scheme 2023. Collection method: clinical testing. Allele origin: germline.

Illumina Laboratory Services, Illumina
Classification: Uncertain significance for Hecht syndrome. Last evaluated: 2018-01-12. Review status: criteria provided, single submitter. Criteria: ICSL Variant Classification Criteria 13 December 2019. Collection method: clinical testing. Allele origin: germline.

Department of Pathology and Laboratory Medicine, Sinai Health System
Classification: Uncertain significance. Review status: no assertion criteria provided. Collection method: clinical testing. Allele origin: unknown. Affected: yes. Study: The Canadian Open Genetics Repository (COGR). Not counted in ClinVar's aggregate classification.
Comment: The MYH8 p.Glu931Lys variant was not identified in the literature nor was it identified in LOVD 3.0. The variant was identified in dbSNP (ID: rs142137577) and ClinVar (classified as a VUS by Illumina for Trismus-Pseudocamptodactyly Syndrome). The variant was also identified in control databases in 42 of 282874 chromosomes at a frequency of 0.000148 (Genome Aggregation Database Feb 27, 2017). The variant was observed in the following populations: Ashkenazi Jewish in 15 of 10370 chromosomes (freq: 0.001446), South Asian in 14 of 30612 chromosomes (freq: 0.000457), African in 3 of 24960 chromosomes (freq: 0.00012) and European (non-Finnish) in 10 of 129192 chromosomes (freq: 0.000077), but was not observed in the Latino, East Asian, European (Finnish) or Other populations. The p.Glu931 residue is not conserved in mammals and computational analyses (PolyPhen-2, SIFT, AlignGVGD, BLOSUM, MutationTaster) provide inconsistent predictions regarding the impact to the protein; this information is not very predictive of pathogenicity. The variant occurs outside of the splicing consensus sequence and in silico or computational prediction software programs (SpliceSiteFinder, MaxEntScan, NNSPLICE, GeneSplicer) do not predict a difference in splicing. In summary, based on the above information the clinical significance of this variant cannot be determined with certainty at this time. This variant is classified as a variant of uncertain significance.

NM_002472.3(MYH8):c.2791G>A (p.Glu931Lys)

Genes: MYH8 (myosin heavy chain 8; minus strand), MYHAS (myosin heavy chain gene cluster antisense RNA; plus strand), LOC126862494 (BRD4-independent group 4 enhancer GRCh37_chr17:10303826-10305025; plus strand). Cytogenetic location: 17p13.1.
Variant type: single nucleotide variant.
Coding change: c.2791G>A on transcript NM_002472.3 (MANE Select); coding-DNA position 2791, G replaced by A.
Protein change: p.Glu931Lys; replaces glutamic acid 931 with lysine.
Molecular consequence: missense variant.
Genome position (GRCh38, 1-based): chr17:10,401,683, C>T on the plus strand (G>A on the coding strand, the complement: MYH8 is on the minus strand). VCF-style: chr17-10401683-C-T. GRCh37 (hg19) VCF-style: chr17-10305000-C-T.
Other names: short protein forms E931K.
Identifiers: ClinVar variation 321642 (VCV000321642.8), dbSNP rs142137577, ClinGen allele CA8387690.